The following is an entry in ClinVar:

NM_000496.3(CRYBB2):c.389C>G (p.Pro130Arg)

Gene: CRYBB2 (crystallin beta B2; plus strand). Cytogenetic location: 22q11.23.
Variant type: single nucleotide variant.
Coding change: c.389C>G on transcript NM_000496.3 (MANE Select); coding-DNA position 389, C replaced by G.
Protein change: p.Pro130Arg; replaces proline 130 with arginine.
Molecular consequence: missense variant.
Genome position (GRCh38, 1-based): chr22:25,229,518, C>G. VCF-style: chr22-25229518-C-G. GRCh37 (hg19) VCF-style: chr22-25625485-C-G.
Other names: short protein forms P130R.
Identifiers: ClinVar variation 2085530 (VCV002085530.4), dbSNP rs2517857053, ClinGen allele CA410987798.

ClinVar aggregate classification (germline): Uncertain significance (1 of 4 stars; one submission).

Conditions:
Cataract 3 multiple types. Also called: CATARACT 3, MULTIPLE TYPES, WITH OR WITHOUT MICROCORNEA. Identifiers: Orphanet 1377, MedGen C1832175, MONDO:0011104, OMIM 601547.

Submission:

Labcorp Genetics (formerly Invitae), Labcorp
Classification: Uncertain significance for Cataract 3 multiple types. Last evaluated: 2022-02-09. Review status: criteria provided, single submitter. Criteria: Invitae Variant Classification Sherloc (09022015). Collection method: clinical testing. Allele origin: germline.
Comment: This sequence change replaces proline, which is neutral and non-polar, with arginine, which is basic and polar, at codon 130 of the CRYBB2 protein (p.Pro130Arg). This variant is not present in population databases (gnomAD no frequency). This missense change has been observed in individual(s) with congenital bilateral cataracts (Invitae). Algorithms developed to predict the effect of missense changes on protein structure and function (SIFT, PolyPhen-2, Align-GVGD) all suggest that this variant is likely to be disruptive. Algorithms developed to predict the effect of sequence changes on RNA splicing suggest that this variant may create or strengthen a splice site. In summary, the available evidence is currently insufficient to determine the role of this variant in disease. Therefore, it has been classified as a Variant of Uncertain Significance.